The following is an entry in ClinVar:

NM_004373.4(COX6A1):c.206C>T (p.Pro69Leu)

Gene: COX6A1 (cytochrome c oxidase subunit 6A1; plus strand). Cytogenetic location: 12q24.31.
Variant type: single nucleotide variant.
Coding change: c.206C>T on transcript NM_004373.4 (MANE Select); coding-DNA position 206, C replaced by T.
Protein change: p.Pro69Leu; replaces proline 69 with leucine.
Molecular consequence: missense variant.
Genome position (GRCh38, 1-based): chr12:120,438,481, C>T. VCF-style: chr12-120438481-C-T. GRCh37 (hg19) VCF-style: chr12-120876284-C-T.
Other names: short protein forms P69L.
Identifiers: ClinVar variation 1461187 (VCV001461187.4), dbSNP rs1280469120, ClinGen allele CA386569655.

ClinVar aggregate classification (germline): Uncertain significance (1 of 4 stars; one submission).

Allele frequency attached by ClinVar (database versions not stated): gnomAD exomes below 0.00001 and 0.00001.

Submission:

Labcorp Genetics (formerly Invitae), Labcorp
Classification: Uncertain significance. Last evaluated: 2021-11-18. Review status: criteria provided, single submitter. Criteria: Invitae Variant Classification Sherloc (09022015). Collection method: clinical testing. Allele origin: germline.
Comment: In summary, the available evidence is currently insufficient to determine the role of this variant in disease. Therefore, it has been classified as a Variant of Uncertain Significance. Algorithms developed to predict the effect of missense changes on protein structure and function (SIFT, PolyPhen-2, Align-GVGD) all suggest that this variant is likely to be tolerated. This variant has not been reported in the literature in individuals affected with COX6A1-related conditions. This variant is present in population databases (no rsID available, gnomAD 0.003%). This sequence change replaces proline, which is neutral and non-polar, with leucine, which is neutral and non-polar, at codon 69 of the COX6A1 protein (p.Pro69Leu).